The following is an entry in ClinVar:

NM_006009.4(TUBA1A):c.4C>A (p.Arg2Ser)

Gene: TUBA1A (tubulin alpha 1a; minus strand). Cytogenetic location: 12q13.12.
Variant type: single nucleotide variant.
Coding change: c.4C>A on transcript NM_006009.4 (MANE Select); coding-DNA position 4, C replaced by A.
Protein change: p.Arg2Ser; replaces arginine 2 with serine.
Molecular consequence: missense variant. On other transcripts: 5 prime UTR variant (1).
Genome position (GRCh38, 1-based): chr12:49,186,833, G>T on the plus strand (C>A on the coding strand, the complement: TUBA1A is on the minus strand). VCF-style: chr12-49186833-G-T. GRCh37 (hg19) VCF-style: chr12-49580616-G-T.
Other names: c.4C>A, p.Arg2Ser (NM_001270399.2); c.-102C>A (NM_001270400.2); short protein forms R2S.
Identifiers: ClinVar variation 625482 (VCV000625482.2), dbSNP rs1565627805, ClinGen allele CA384646402.

ClinVar aggregate classification (germline): Pathogenic (1 of 4 stars; one submission).

Conditions:
Tubulinopathy. Also called: Tubulinopathies. Identifiers: MedGen CN850169, MONDO:0100153.

Submission:

Institute of Human Genetics, FAU Erlangen, Friedrich-Alexander-Universität Erlangen-Nürnberg
Classification: Pathogenic for Tubulinopathies. Last evaluated: 2018-07-01. Review status: criteria provided, single submitter. Criteria: ACMG Guidelines, 2015. Collection method: literature only. Allele origin: de novo. Affected: yes. Observed: 1 variant allele.
Comment: The c.4C>A, p.(Arg2Ser) variant has been reported as a variant of de novo origin. This variant and associated phenotype was previously reported by Romaniello et al. Eur Radiol, 2017 PMID: 28677066. HPO-standardized clinical features were: Partial agenesis of the corpus callosum, Hypoplasia of the corpus callosum (HP:0001338, HP:0002079); Polymicrogyria (HP:0002126); Cerebellar vermis hypoplasia (HP:0001320); Dilated fourth ventricle (HP:0002198); Congenital microcephaly (HP:0011451); Focal seizures (HP:0007359); Nystagmus (HP:0000639)

Literature cited by the submitters: PubMed 30744660; DOI 10.1101/427948.